The following is an entry in ClinVar:

NM_001130823.3(DNMT1):c.205C>G (p.Arg69Gly)

Gene: DNMT1 (DNA methyltransferase 1; minus strand). Cytogenetic location: 19p13.2.
Variant type: single nucleotide variant.
Coding change: c.205C>G on transcript NM_001130823.3 (MANE Select); coding-DNA position 205, C replaced by G.
Protein change: p.Arg69Gly; replaces arginine 69 with glycine.
Molecular consequence: missense variant. On other transcripts: 5 prime UTR variant (1).
Genome position (GRCh38, 1-based): chr19:10,180,798, G>C on the plus strand (C>G on the coding strand, the complement: DNMT1 is on the minus strand). VCF-style: chr19-10180798-G-C. GRCh37 (hg19) VCF-style: chr19-10291474-G-C.
Other names: c.205C>G, p.Arg69Gly (NM_001318730.2, NM_001379.4); c.-119C>G (NM_001318731.2); short protein forms R69G.
Identifiers: ClinVar variation 2055277 (VCV002055277.4), dbSNP rs753673660, ClinGen allele CA403947034.
Genomic context (GRCh38, chr19:10,180,798, plus strand): 5'-GACATTTTTCTAGAGGCTAGGATGCTGAGAACTGACTTACCTCGGATAATTCTTCTTTAC[G>C]TAATTTGGTTTCCAAGTCACATAACTGATTCTTTATTTCTGTTTGCAGAAATTCGTGCAA-3'
Protein context (NP_001124295.1, residues 59-79): NQLCDLETKL[Arg69Gly]KEELSEEGYL

ClinVar aggregate classification (germline): Uncertain significance (1 of 4 stars; one submission).

Conditions:
Hereditary sensory neuropathy-deafness-dementia syndrome. Also called: Hereditary Sensory and Autonomic Neuropathy Type 1E (HSAN1E); NEUROPATHY, HEREDITARY SENSORY, WITH HEARING LOSS AND DEMENTIA; Hereditary sensory neuropathy type IE; HSN IE. Identifiers: Orphanet 456318, MedGen C3279885, MONDO:0013584, OMIM 614116.

gnomAD v4.1: 1 of 1,614,064 alleles (0.000062%); highest among the groups gnomAD compares: South Asian, 0.0011%; no homozygotes.

Submission:

Labcorp Genetics (formerly Invitae), Labcorp
Classification: Uncertain significance for Hereditary sensory neuropathy-deafness-dementia syndrome. Last evaluated: 2025-11-13. Review status: criteria provided, single submitter. Criteria: Invitae Variant Classification Sherloc (09022015). Collection method: clinical testing. Allele origin: germline.
Comment: This sequence change replaces arginine, which is basic and polar, with glycine, which is neutral and non-polar, at codon 69 of the DNMT1 protein (p.Arg69Gly). This variant is not present in population databases (gnomAD no frequency). This variant has not been reported in the literature in individuals affected with DNMT1-related conditions. ClinVar contains an entry for this variant (Variation ID: 2055277). An algorithm developed to predict the effect of missense changes on protein structure and function (PolyPhen-2) suggests that this variant is likely to be tolerated. In summary, the available evidence is currently insufficient to determine the role of this variant in disease. Therefore, it has been classified as a Variant of Uncertain Significance.